The following is an entry in ClinVar:

NC_000010.10:g.(?_68138890)_(68381562_?)dup

Gene: CTNNA3 (catenin alpha 3; minus strand). Cytogenetic location: 10q21.3.
Variant type: Duplication.
Identifiers: ClinVar variation 2425836 (VCV002425836.4).

ClinVar aggregate classification (germline): Uncertain significance (1 of 4 stars; one submission).

Conditions:
Arrhythmogenic right ventricular dysplasia 13. Also called: Arrhythmogenic right ventricular dysplasia, familial, 13; ARRHYTHMOGENIC RIGHT VENTRICULAR CARDIOMYOPATHY 13. Identifiers: MedGen C3810138, MONDO:0000908, OMIM 615616.

Submission:

Labcorp Genetics (formerly Invitae), Labcorp
Classification: Uncertain significance for Arrhythmogenic right ventricular dysplasia 13. Last evaluated: 2023-04-08. Review status: criteria provided, single submitter. Criteria: Invitae Variant Classification Sherloc (09022015). Collection method: clinical testing. Allele origin: germline.
Comment: In summary, the available evidence is currently insufficient to determine the role of this variant in disease. Therefore, it has been classified as a Variant of Uncertain Significance. This variant has not been reported in the literature in individuals affected with CTNNA3-related conditions. This variant results in a copy number gain of the genomic region encompassing exon(s) 10-12 of the CTNNA3 gene. While the exact position of this variant cannot be determined from the data, sub-genic copy number gains are generally in tandem (PMID: 25640679). This variant is predicted to be out-of-frame, and may result in an absent or disrupted protein product. However, the current clinical and genetic evidence is not sufficient to establish whether loss-of-function variants in CTNNA3 cause disease.

Literature cited by the submitters: PubMed 25640679.